The following is an entry in ClinVar:

ClinVar aggregate classification (germline): Conflicting classifications of pathogenicity. Review status: criteria provided, conflicting classifications (1 of 4 stars). 3 submissions from 3 submitters: Likely pathogenic (2); Uncertain significance (1). Last evaluated 2021-03-24.

Conditions:
Finnish congenital nephrotic syndrome (NPHS1). Also called: NEPHROTIC SYNDROME, TYPE 1. Identifiers: Orphanet 839, MedGen C0403399, MONDO:0009732, OMIM 256300.

Allele frequency attached by ClinVar (database versions not stated): gnomAD exomes 0.00001.
gnomAD v4.1: 7 of 1,613,976 alleles (0.00043%); highest among the groups gnomAD compares: Non-Finnish European, 0.00051%; no homozygotes.

Submissions (3):

Blueprint Genetics
Classification: Uncertain significance. Last evaluated: 2021-03-24. Review status: criteria provided, single submitter. Criteria: ACMG Guidelines, 2015. Collection method: clinical testing. Allele origin: germline.

GeneDx
Classification: Likely pathogenic. Last evaluated: 2017-01-20. Review status: criteria provided, single submitter. Criteria: GeneDx Variant Classification (06012015). Collection method: clinical testing. Allele origin: germline. Affected: yes.
Comment: The c.3481+4A>T variant in the NPHS1 gene has not been reported previously as a pathogenic variant nor as a benign variant, to our knowledge. This variant is predicted to damage the natural splice donor site in intron 27, and is expected to cause abnormal gene splicing. The c.3481+4A>T variant was not observed in approximately 6500 individuals of European and African American ancestry in the NHLBI Exome Sequencing Project, indicating it is not a common benign variant in these populations. We interpret c.3481+4A>T as a likely pathogenic variant.

Vasylyeva lab, Texas Tech University Health Sciences Center
Classification: Likely pathogenic for Finnish congenital nephrotic syndrome. Review status: criteria provided, single submitter. Criteria: ACMG Guidelines, 2015. Collection method: clinical testing. Allele origin: unknown. Affected: yes.

NM_004646.4(NPHS1):c.3481+4A>T

Gene: NPHS1 (NPHS1 adhesion molecule, nephrin; minus strand). Cytogenetic location: 19q13.12.
Variant type: single nucleotide variant.
Coding change: c.3481+4A>T on transcript NM_004646.4 (MANE Select); 4 bases into the intron after coding-DNA position 3481, A replaced by T.
Molecular consequence: intron variant.
Genome position (GRCh38, 1-based): chr19:35,831,049, T>A on the plus strand (A>T on the coding strand, the complement: NPHS1 is on the minus strand). VCF-style: chr19-35831049-T-A. GRCh37 (hg19) VCF-style: chr19-36321951-T-A.
Identifiers: ClinVar variation 392906 (VCV000392906.4), dbSNP rs1057524695, ClinGen allele CA16608204.